The following is an entry in ClinVar:

ClinVar aggregate classification (germline): Pathogenic/Likely pathogenic. Review status: criteria provided, multiple submitters, no conflicts (2 of 4 stars). 5 submissions from 5 submitters: Pathogenic (4); Likely pathogenic (1). Last evaluated 2024-11-25.

Conditions:
Neurodevelopmental abnormality. Identifiers: MedGen C4022737, HP:0012759.
DeSanto-Shinawi syndrome due to WAC point mutation (DESSH). Also called: WAC-Related Intellectual Disability; DEVELOPMENTAL DELAY, BEHAVIORAL ABNORMALITIES, FACIAL DYSMORPHISM, AND OCULAR ABNORMALITIES; Facial dysmorphism-developmental delay-behavioral abnormalities syndrome due to WAC point mutation. Identifiers: Orphanet 284169, Orphanet 466950, MedGen C5681129, MONDO:0014741, OMIM 616708.
Intellectual disability. Also called: Intellectual developmental disorder; Intellectual functioning disability; intellectual disabilities. Identifiers: MedGen C3714756, MeSH D008607, MONDO:0001071, HP:0001249.

Submissions (5):

Clinical Genetics Laboratory, Skane University Hospital Lund
Classification: Pathogenic for Neurodevelopmental abnormality. Last evaluated: 2024-11-25. Review status: criteria provided, single submitter. Criteria: ACMG Guidelines, 2015. Collection method: clinical testing. Allele origin: de novo. Inheritance: Autosomal dominant inheritance. Affected: yes.
Comment: ACMG criteria used: PVS1_Moderate, PS4, PM2

GeneDx
Classification: Pathogenic. Last evaluated: 2021-12-02. Review status: criteria provided, single submitter. Criteria: GeneDx Variant Classification Process June 2021. Collection method: clinical testing. Allele origin: germline. Affected: yes.
Comment: Nonsense variant in the C-terminus predicted to result in protein truncation, as the last 35 amino acids are lost, and other loss-of-function variants have been reported downstream in the Human Gene Mutation Database (Stenson et al., 2014); Not observed at significant frequency in large population cohorts (Lek et al., 2016); This variant is associated with the following publications: (PMID: 22891273, 32368696, 28991257, 29663678)

Cambridge Genomics Laboratory, East Genomic Laboratory Hub, NHS Genomic Medicine Service
Classification: Pathogenic for Intellectual disability. Last evaluated: 2019-04-17. Review status: criteria provided, single submitter. Criteria: ACGS Best Practice Guidelines for Variant Classification in Rare Disease 2020. Collection method: clinical testing. Allele origin: germline. Affected: yes. Observed: 1 variant allele.

Juno Genomics, Hangzhou Juno Genomics, Inc
Classification: Likely pathogenic for DeSanto-Shinawi syndrome due to WAC point mutation. Review status: criteria provided, single submitter. Criteria: ACMG Guidelines, 2015. Collection method: clinical testing. Allele origin: germline. Affected: yes.
Comment: Absent from controls (or at extremely low frequency if recessive) in Genome Aggregation Database, Exome Sequencing Project, 1000 Genomes Project, or Exome Aggregation Consortium.;Null variant in a gene where loss of function (LOF) is a known mechanism of disease.;Assumed de novo, but without confirmation of paternity and maternity.;The prevalence of the variant in affected individuals is significantly increased compared to the prevalence in controls.;Patient's phenotype or family history is highly specific for a disease with a single genetic etiology.

Molecular Genetics Lab, CHRU Brest
Classification: Pathogenic for DeSanto-Shinawi syndrome due to WAC point mutation. Review status: criteria provided, single submitter. Criteria: ACMG Guidelines, 2015. Collection method: clinical testing. Allele origin: de novo. Affected: yes.

NM_016628.5(WAC):c.1837C>T (p.Arg613Ter)

Gene: WAC (WW domain containing adaptor with coiled-coil; plus strand). Cytogenetic location: 10p12.1.
Variant type: single nucleotide variant.
Coding change: c.1837C>T on transcript NM_016628.5 (MANE Select); coding-DNA position 1837, C replaced by T.
Protein change: p.Arg613Ter; replaces arginine 613 with a stop codon.
Molecular consequence: nonsense.
Genome position (GRCh38, 1-based): chr10:28,617,747, C>T. VCF-style: chr10-28617747-C-T. GRCh37 (hg19) VCF-style: chr10-28906676-C-T.
Other names: c.1702C>T, p.Arg568Ter (NM_100264.3); c.1528C>T, p.Arg510Ter (NM_100486.4); short protein forms R568*, R613*, R510*.
Identifiers: ClinVar variation 426162 (VCV000426162.8), dbSNP rs1085307480, ClinGen allele CA376406276.